The following is an entry in ClinVar:

ClinVar aggregate classification (germline): Conflicting classifications of pathogenicity. Review status: criteria provided, conflicting classifications (1 of 4 stars). 3 submissions from 3 submitters: Uncertain significance (2); Likely benign (1). Last evaluated 2024-06-09.

Conditions:
Malignant hyperthermia, susceptibility to, 5 (MHS5). Also called: CACNA1S-Related Malignant Hyperthermia Susceptibility. Identifiers: Orphanet 423, MedGen C1866077, MONDO:0011163, OMIM 601887.
Hypokalemic periodic paralysis, type 1. Also called: HypoPP; Hypokalemic Periodic Paralysis Type 1 (AD). Identifiers: Orphanet 681, MedGen C3714580, MONDO:0042979, OMIM 170400.
Thyrotoxic periodic paralysis, susceptibility to, 1 (TTPP1). Identifiers: Orphanet 79102, MedGen C2749982, MONDO:0008570, OMIM 188580.

Allele frequency attached by ClinVar (database versions not stated): gnomAD exomes 0.00001 and 0.00002; gnomAD 0.00002 and 0.00003; ExAC 0.00003; TOPMed 0.00003; 1000 Genomes Project 30x 0.00016; 1000 Genomes Project 0.00020.
gnomAD v4.1: 14 of 1,614,144 alleles (0.00087%); highest among the groups gnomAD compares: South Asian, 0.0055%; no homozygotes.

Submissions (3):

All of Us Research Program, National Institutes of Health
Classification: Uncertain significance for Malignant hyperthermia, susceptibility to, 5. Last evaluated: 2024-06-09. Review status: criteria provided, single submitter. Criteria: ACMG Guidelines, 2015. Collection method: clinical testing. Allele origin: germline. Inheritance: Autosomal dominant inheritance. Observed: 6 variant alleles, 6 heterozygotes.
Comment: This missense variant replaces glycine with serine at codon 507 of the CACNA1S protein. Computational prediction suggests that this variant may have deleterious impact on protein structure and function (internally defined REVEL score threshold >= 0.7, PMID: 27666373). To our knowledge, functional studies have not been reported for this variant. This variant has not been reported in individuals affected with CACNA1S-related disorders in the literature. This variant has not been identified in the general population by the Genome Aggregation Database (gnomAD). The available evidence is insufficient to determine the role of this variant in disease conclusively. Therefore, this variant is classified as a Variant of Uncertain Significance.

This study involves interpretation of variants in research participants for the purpose of population health screening. Participant phenotype was not available at the time of variant classification. Additional details can be found in publication PMID: 35346344, PMCID: PMC8962531

Labcorp Genetics (formerly Invitae), Labcorp
Classification: Likely benign for Hypokalemic periodic paralysis, type 1; Malignant hyperthermia, susceptibility to, 5. Last evaluated: 2024-05-20. Review status: criteria provided, single submitter. Criteria: Invitae Variant Classification Sherloc (09022015). Collection method: clinical testing. Allele origin: germline.

Fulgent Genetics
Classification: Uncertain significance for Hypokalemic periodic paralysis, type 1; Thyrotoxic periodic paralysis, susceptibility to, 1; Malignant hyperthermia, susceptibility to, 5. Last evaluated: 2021-11-11. Review status: criteria provided, single submitter. Criteria: ACMG Guidelines, 2015. Collection method: clinical testing. Allele origin: unknown.

NM_000069.3(CACNA1S):c.1519G>A (p.Gly507Ser)

Gene: CACNA1S (calcium voltage-gated channel subunit alpha1 S; minus strand). Cytogenetic location: 1q32.1.
Variant type: single nucleotide variant.
Coding change: c.1519G>A on transcript NM_000069.3 (MANE Select); coding-DNA position 1519, G replaced by A.
Protein change: p.Gly507Ser; replaces glycine 507 with serine.
Molecular consequence: missense variant.
Genome position (GRCh38, 1-based): chr1:201,077,979, C>T on the plus strand (G>A on the coding strand, the complement: CACNA1S is on the minus strand). VCF-style: chr1-201077979-C-T. GRCh37 (hg19) VCF-style: chr1-201047107-C-T.
Other names: short protein forms G507S.
Identifiers: ClinVar variation 957850 (VCV000957850.10), dbSNP rs554729466, ClinGen allele CA078287.